The following is an entry in ClinVar:

ClinVar aggregate classification (germline): Uncertain significance. Review status: criteria provided, multiple submitters, no conflicts (2 of 4 stars). 2 submissions from 2 submitters: Uncertain significance (2). Last evaluated 2025-03-22.

Allele frequency attached by ClinVar (database versions not stated): gnomAD exomes below 0.00001; ExAC 0.00001; gnomAD 0.00001; TOPMed 0.00001.
gnomAD v4.1: 6 of 1,178,790 alleles (0.00051%); highest among the groups gnomAD compares: East Asian, 0.0059%; no homozygotes.

Submissions (2):

Labcorp Genetics (formerly Invitae), Labcorp
Classification: Uncertain significance. Last evaluated: 2025-03-22. Review status: criteria provided, single submitter. Criteria: Invitae Variant Classification Sherloc (09022015). Collection method: clinical testing. Allele origin: germline.
Comment: This sequence change replaces valine, which is neutral and non-polar, with alanine, which is neutral and non-polar, at codon 347 of the FRMD7 protein (p.Val347Ala). This variant is not present in population databases (gnomAD no frequency). This variant has not been reported in the literature in individuals affected with FRMD7-related conditions. ClinVar contains an entry for this variant (Variation ID: 2157166). An algorithm developed to predict the effect of missense changes on protein structure and function (PolyPhen-2) suggests that this variant is likely to be tolerated. In summary, the available evidence is currently insufficient to determine the role of this variant in disease. Therefore, it has been classified as a Variant of Uncertain Significance.

Blueprint Genetics
Classification: Uncertain significance. Last evaluated: 2022-03-24. Review status: criteria provided, single submitter. Criteria: ACMG Guidelines, 2015. Collection method: clinical testing. Allele origin: germline.

NM_194277.3(FRMD7):c.1040T>C (p.Val347Ala)

Gene: FRMD7 (FERM domain containing 7; minus strand). Cytogenetic location: Xq26.2.
Variant type: single nucleotide variant.
Coding change: c.1040T>C on transcript NM_194277.3 (MANE Select); coding-DNA position 1040, T replaced by C.
Protein change: p.Val347Ala; replaces valine 347 with alanine.
Molecular consequence: missense variant.
Genome position (GRCh38, 1-based): chrX:132,080,016, A>G on the plus strand (T>C on the coding strand, the complement: FRMD7 is on the minus strand). VCF-style: chrX-132080016-A-G. GRCh37 (hg19) VCF-style: chrX-131214044-A-G.
Other names: c.995T>C, p.Val332Ala (NM_001306193.2); short protein forms V332A, V347A.
Identifiers: ClinVar variation 2157166 (VCV002157166.5), dbSNP rs777152565, ClinGen allele CA10518917.